The following is an entry in ClinVar:

ClinVar aggregate classification (germline): Conflicting classifications of pathogenicity. Review status: criteria provided, conflicting classifications (1 of 4 stars). 4 submissions from 4 submitters: Pathogenic (1); Uncertain significance (3). Last evaluated 2025-06-20.

Conditions:
Cardiomyopathy (CMYO). Also called: Cardiomyopathies. Identifiers: Orphanet 167848, MedGen C0878544, MONDO:0004994, HP:0001638. Inheritance: Various modes of inheritance.
Cardiovascular phenotype. Identifiers: MedGen CN230736.
Hypertrophic cardiomyopathy. Also called: HYPERTROPHIC MYOCARDIOPATHY. Identifiers: Orphanet 217569, MedGen C0007194, MeSH D002312, MONDO:0005045, HP:0001639.

Allele frequency attached by ClinVar (database versions not stated): gnomAD 0.00001.

Submissions (4):

Color Diagnostics, LLC DBA Color Health
Classification: Uncertain significance for Cardiomyopathy. Last evaluated: 2025-06-20. Review status: criteria provided, single submitter. Criteria: ACMG Guidelines, 2015. Collection method: clinical testing. Allele origin: germline.
Comment: This variant inserts 1 nucleotide in exon 4 of the TNNI3 gene, creating a frameshift and premature translation stop signal. This variant is expected to result in an absent or non-functional protein product. To our knowledge, this variant has not been reported in individuals affected with TNNI3-related disorders in the literature. This variant has been identified in 1/31390 chromosomes in the general population by the Genome Aggregation Database (gnomAD). Clinical relevance of loss-of-function TNNI3 truncation variants in autosomal dominant cardiovascular disorders is not clearly established. The available evidence is insufficient to determine the role of this variant in disease conclusively. Therefore, this variant is classified as a Variant of Uncertain Significance.

All of Us Research Program, National Institutes of Health
Classification: Uncertain significance for Hypertrophic cardiomyopathy. Last evaluated: 2023-05-04. Review status: criteria provided, single submitter. Criteria: ACMG Guidelines, 2015. Collection method: clinical testing. Allele origin: germline. Inheritance: Autosomal dominant inheritance. Observed: 1 variant allele, 1 heterozygote.
Comment: Variant of Uncertain Significance due to insufficient evidence: This variant inserts 1 nucleotide in exon 4 of the TNNI3 gene, creating a frameshift and premature translation stop signal. This variant is expected to result in an absent or non-functional protein product. To our knowledge, functional assays have not been performed for this variant nor has this variant been reported in individuals affected with cardiovascular disorders in the literature. This variant is rare in the general population and has been identified in 0/277264 chromosomes by the Genome Aggregation Database (gnomAD). Disease-causing variants in TNNI3 are mostly missense variants that act in a dominant-negative manner. The role of TNNI3 truncation variants in cardiomyopathy is not clearly established. Available evidence is insufficient to determine the role of this variant in disease conclusively.

This study involves interpretation of variants in research participants for the purpose of population health screening. Participant phenotype was not available at the time of variant classification. Additional details can be found in publication PMID: 35346344, PMCID: PMC8962531

Ambry Genetics
Classification: Uncertain significance for Cardiovascular phenotype. Last evaluated: 2023-03-24. Review status: criteria provided, single submitter. Criteria: Ambry Variant Classification Scheme 2023. Collection method: clinical testing. Allele origin: germline.
Comment: The c.146dupT variant, located in coding exon 4 of the TNNI3 gene, results from a duplication of T at nucleotide position 146, causing a translational frameshift with a predicted alternate stop codon (p.K50Efs*60). Although biallelic loss of function alterations in TNNI3 have been associated with autosomal recessive dilated cardiomyopathy, haploinsufficiency for TNNI3 has not been clearly established as a mechanism of disease for autosomal dominant cardiomyopathies. Based on the supporting evidence, this variant is expected to be causative of autosomal recessive dilated cardiomyopathy when present along with a second pathogenic variant on the other allele; however, its clinical significance for autosomal dominant cardiomyopathies is unclear.

Labcorp Genetics (formerly Invitae), Labcorp
Classification: Pathogenic for Hypertrophic cardiomyopathy. Last evaluated: 2023-03-11. Review status: criteria provided, single submitter. Criteria: Invitae Variant Classification Sherloc (09022015). Collection method: clinical testing. Allele origin: germline.
Comment: This sequence change creates a premature translational stop signal (p.Lys50Glufs*60) in the TNNI3 gene. It is expected to result in an absent or disrupted protein product. Loss-of-function variants in TNNI3 are known to be pathogenic (PMID: 35838873, 31568572, 34036930). The frequency data for this variant in the population databases is considered unreliable, as metrics indicate poor data quality at this position in the gnomAD database. This variant has not been reported in the literature in individuals affected with TNNI3-related conditions. ClinVar contains an entry for this variant (Variation ID: 927030). For these reasons, this variant has been classified as Pathogenic.

Literature cited by the submitters: PubMed 35838873 (cited by Labcorp Genetics (formerly Invitae), Labcorp); PubMed 31568572 (cited by Labcorp Genetics (formerly Invitae), Labcorp); PubMed 34036930 (cited by Labcorp Genetics (formerly Invitae), Labcorp).

NM_000363.5(TNNI3):c.146dup (p.Lys50fs)

Gene: TNNI3 (troponin I3, cardiac type; minus strand). Cytogenetic location: 19q13.42.
Variant type: Duplication.
Coding change: c.146dup on transcript NM_000363.5 (MANE Select); coding-DNA position 146, one base duplicated (T; older notation c.146dupT).
Protein change: p.Lys50fs; shifts the reading frame from lysine 50.
Molecular consequence: frameshift variant.
Genome position (GRCh38, 1-based): chr19:55,156,607, A duplicated on the plus strand (T on the coding strand, the reverse complement: TNNI3 is on the minus strand). VCF-style (leftmost placement, unchanged base first): chr19-55156606-C-CA. GRCh37 (hg19) VCF-style: chr19-55667974-C-CA.
Other names: c.146dupT (NM_000363.4); short protein forms K50fs.
Identifiers: ClinVar variation 927030 (VCV000927030.12), dbSNP rs1162696593, ClinGen allele CA633871876.